The following is an entry in ClinVar:

ClinVar aggregate classification (germline): Uncertain significance (1 of 4 stars; one submission).

Submission:

GeneDx
Classification: Uncertain significance. Last evaluated: 2024-05-22. Review status: criteria provided, single submitter. Criteria: GeneDx Variant Classification Process June 2021. Collection method: clinical testing. Allele origin: germline. Affected: yes.
Comment: Not observed at significant frequency in large population cohorts (gnomAD); In silico analysis supports a deleterious effect on splicing; Has not been previously published as pathogenic or benign to our knowledge

NM_006445.4(PRPF8):c.1985-12C>G

Gene: PRPF8 (pre-mRNA processing factor 8; minus strand). Cytogenetic location: 17p13.3.
Variant type: single nucleotide variant.
Coding change: c.1985-12C>G on transcript NM_006445.4 (MANE Select); 12 bases into the intron before coding-DNA position 1985, C replaced by G.
Molecular consequence: intron variant.
Genome position (GRCh38, 1-based): chr17:1,677,184, G>C on the plus strand (C>G on the coding strand, the complement: PRPF8 is on the minus strand). VCF-style: chr17-1677184-G-C. GRCh37 (hg19) VCF-style: chr17-1580478-G-C.
Identifiers: ClinVar variation 3381299 (VCV003381299.1).